The following is an entry in ClinVar:

NM_005677.4(COLQ):c.529-2A>G

Gene: COLQ (collagen like tail subunit of asymmetric acetylcholinesterase; minus strand). Cytogenetic location: 3p25.1.
Variant type: single nucleotide variant.
Coding change: c.529-2A>G on transcript NM_005677.4 (MANE Select); the canonical splice acceptor site of the intron before coding-DNA position 529, A replaced by G.
Molecular consequence: splice acceptor variant.
Genome position (GRCh38, 1-based): chr3:15,474,953, T>C on the plus strand (A>G on the coding strand, the complement: COLQ is on the minus strand). VCF-style: chr3-15474953-T-C. GRCh37 (hg19) VCF-style: chr3-15516460-T-C.
Other names: c.427-2A>G (NM_080539.4); c.499-2A>G (NM_080538.2).
Identifiers: ClinVar variation 281421 (VCV000281421.9), dbSNP rs755236236, ClinGen allele CA2276113.

ClinVar aggregate classification (germline): Pathogenic/Likely pathogenic. Review status: criteria provided, multiple submitters, no conflicts (2 of 4 stars). 2 submissions from 2 submitters: Pathogenic (1); Likely pathogenic (1). Last evaluated 2026-01-09.

Conditions:
Congenital myasthenic syndrome 5. Identifiers: Orphanet 590, MedGen C1864233, MONDO:0011281, OMIM 603034.

Allele frequency attached by ClinVar (database versions not stated): gnomAD exomes below 0.00001 and 0.00001; ExAC 0.00001.
gnomAD v4.1: 17 of 1,614,050 alleles (0.0011%); highest among the groups gnomAD compares: Non-Finnish European, 0.0014%; no homozygotes.

Submissions (2):

Labcorp Genetics (formerly Invitae), Labcorp
Classification: Likely pathogenic for Congenital myasthenic syndrome 5. Last evaluated: 2026-01-09. Review status: criteria provided, single submitter. Criteria: Invitae Variant Classification Sherloc (09022015). Collection method: clinical testing. Allele origin: germline.
Comment: This sequence change affects an acceptor splice site in intron 7 of the COLQ gene. It is expected to disrupt RNA splicing. Variants that disrupt the donor or acceptor splice site typically lead to a loss of protein function (PMID: 16199547), and loss-of-function variants in COLQ are known to be pathogenic (PMID: 22678886). This variant is present in population databases (rs755236236, gnomAD 0.0009%). This variant has not been reported in the literature in individuals affected with COLQ-related conditions. ClinVar contains an entry for this variant (Variation ID: 281421). Algorithms developed to predict the effect of sequence changes on RNA splicing suggest that this variant may disrupt the consensus splice site. In summary, the currently available evidence indicates that the variant is pathogenic, but additional data are needed to prove that conclusively. Therefore, this variant has been classified as Likely Pathogenic.

Eurofins Ntd Llc (ga)
Classification: Pathogenic. Last evaluated: 2015-06-16. Review status: criteria provided, single submitter. Criteria: EGL Classification Definitions 2015. Collection method: clinical testing. Allele origin: germline. Observed: 1 variant allele, 1 heterozygote.

Literature cited by the submitters: PubMed 16199547 (cited by Labcorp Genetics (formerly Invitae), Labcorp); PubMed 22678886 (cited by Labcorp Genetics (formerly Invitae), Labcorp).